The following is an entry in ClinVar:

NM_001042492.3(NF1):c.7003A>G (p.Thr2335Ala)

Gene: NF1 (neurofibromin 1; plus strand). Cytogenetic location: 17q11.2.
Variant type: single nucleotide variant.
Coding change: c.7003A>G on transcript NM_001042492.3 (MANE Select); coding-DNA position 7003, A replaced by G.
Protein change: p.Thr2335Ala; replaces threonine 2335 with alanine.
Molecular consequence: missense variant.
Genome position (GRCh38, 1-based): chr17:31,340,586, A>G. VCF-style: chr17-31340586-A-G. GRCh37 (hg19) VCF-style: chr17-29667604-A-G.
Other names: c.6940A>G, p.Thr2314Ala (NM_000267.4); short protein forms T2314A, T2335A.
Identifiers: ClinVar variation 186672 (VCV000186672.19), dbSNP rs370209920, ClinGen allele CA195522.

ClinVar aggregate classification (germline): Conflicting classifications of pathogenicity. Review status: criteria provided, conflicting classifications (1 of 4 stars). 7 submissions from 6 submitters: Uncertain significance (6); Likely benign (1). Last evaluated 2026-01-02.

Conditions:
Hereditary cancer-predisposing syndrome. Also called: Hereditary Cancer Syndrome; Neoplastic Syndromes, Hereditary; Tumor predisposition; Hereditary neoplastic syndrome. Identifiers: Orphanet 140162, MedGen C0027672, MeSH D009386, MONDO:0015356.
Cardiovascular phenotype. Identifiers: MedGen CN230736.
Juvenile myelomonocytic leukemia (JMML). Also called: LEUKEMIA, JUVENILE MYELOMONOCYTIC, SOMATIC. Identifiers: Orphanet 86834, MedGen C0349639, MONDO:0011908, OMIM 607785, HP:0012209.
Café-au-lait macules with pulmonary stenosis (WTSN). Also called: PULMONIC STENOSIS WITH CAFE-AU-LAIT SPOTS. Identifiers: MedGen C0553586, MONDO:0008672, OMIM 193520.
Neurofibromatosis, type 1 (NF1). Also called: NEUROFIBROMATOSIS, TYPE I, SOMATIC; VON RECKLINGHAUSEN DISEASE; Peripheral type neurofibromatosis; Neurofibromatosis, type I. Identifiers: Orphanet 636, MedGen C0027831, MONDO:0018975, OMIM 162200. Disease mechanism: loss of function.
Neurofibromatosis-Noonan syndrome (NFNS). Also called: NEUROFIBROMATOSIS WITH NOONAN PHENOTYPE. Identifiers: Orphanet 638, MedGen C2931482, MONDO:0011035, OMIM 601321. Disease mechanism: loss of function.
Neurofibromatosis, familial spinal (FSNF). Identifiers: Orphanet 636, MedGen C1834235, MONDO:0008078, OMIM 162210. Disease mechanism: loss of function.

Allele frequency attached by ClinVar (database versions not stated): ExAC 0.00002; gnomAD exomes 0.00002; gnomAD 0.00003; TOPMed 0.00003; ESP Exome Variant Server 0.00008.
gnomAD v4.1: 29 of 1,614,042 alleles (0.0018%); highest among the groups gnomAD compares: Non-Finnish European, 0.0024%; no homozygotes.

Submissions (7):

Labcorp Genetics (formerly Invitae), Labcorp
Classification: Likely benign for Neurofibromatosis, type 1. Last evaluated: 2026-01-02. Review status: criteria provided, single submitter. Criteria: Invitae Variant Classification Sherloc (09022015). Collection method: clinical testing. Allele origin: germline.

Quest Diagnostics Nichols Institute San Juan Capistrano
Classification: Uncertain significance. Last evaluated: 2025-04-14. Review status: criteria provided, single submitter. Criteria: Quest Diagnostics criteria. Collection method: clinical testing. Allele origin: unknown.

Ambry Genetics
Classification: Uncertain significance for Cardiovascular phenotype; Hereditary cancer-predisposing syndrome. Last evaluated: 2024-10-28. Review status: criteria provided, single submitter. Criteria: Ambry Variant Classification Scheme 2023. Collection method: clinical testing. Allele origin: germline.

Genome-Nilou Lab
Classification: Uncertain significance for Neurofibromatosis, type 1. Last evaluated: 2022-03-15. Review status: criteria provided, single submitter. Criteria: ACMG Guidelines, 2015. Collection method: clinical testing. Allele origin: germline. Affected: no.

Fulgent Genetics
Classification: Uncertain significance for Neurofibromatosis, type 1; Neurofibromatosis, familial spinal; Café-au-lait macules with pulmonary stenosis; Neurofibromatosis-Noonan syndrome; Juvenile myelomonocytic leukemia. Last evaluated: 2021-12-21. Review status: criteria provided, single submitter. Criteria: ACMG Guidelines, 2015. Collection method: clinical testing. Allele origin: unknown.

GeneDx
Classification: Uncertain significance. Last evaluated: 2019-04-16. Review status: criteria provided, single submitter. Criteria: GeneDx Variant Classification Process June 2021. Collection method: clinical testing. Allele origin: germline. Affected: yes.
Comment: In silico analysis, which includes protein predictors and evolutionary conservation, supports that this variant does not alter protein structure/function; Has not been previously published as pathogenic or benign to our knowledge

Ambry Genetics
Classification: Uncertain significance for Hereditary cancer-predisposing syndrome. Last evaluated: 2015-05-29. Review status: criteria provided, single submitter. Criteria: Ambry Autosomal Dominant and X-Linked criteria (10/2015). Collection method: clinical testing. Allele origin: germline. Observed: 1 variant allele.
Comment: Thep.T2335A variant (also known as c.7003A>G or c.6940A>G), located in coding exon 47 of theNF1 gene, results from an A to G substitution at nucleotide position 7003. The threonine at codon 2335 is replaced by alanine, an amino acid with similar properties. This variant was previously reported in the SNPDatabase as rs370209920. Based on data from the NHLBI Exome Sequencing Project (ESP), the G-allele has an overall frequency of approximately 0.01% (1/13006) total alleles studied,having been observed in 0% (0/4406) African American allelesand 0.01% (1/8600) European American alleles. This variant was not reported in the 1000 Genomes Project population-based cohort. To date, this alteration has been detected with an allele frequency of approximately 0.01% (greater than 55000 alleles tested) in our clinical cohort. This amino acid position is highly conserved in available vertebrate species. In addition, this alteration is predicted to be benign and deleterious by PolyPhen and SIFTin silico analyses, respectively. Since supporting evidence is limited at this time, the clinical significance of p.T2335A remains unclear.